The following is an entry in ClinVar:

NM_014049.5(ACAD9):c.1121del (p.Asp374fs)

Gene: ACAD9 (acyl-CoA dehydrogenase family member 9; plus strand). Cytogenetic location: 3q21.3.
Variant type: Deletion.
Coding change: c.1121del on transcript NM_014049.5 (MANE Select); coding-DNA position 1121, one base deleted (A; older notation c.1121delA).
Protein change: p.Asp374fs; shifts the reading frame from aspartic acid 374.
Molecular consequence: frameshift variant. On other transcripts: non-coding transcript variant (1).
Genome position (GRCh38, 1-based): chr3:128,904,477, A deleted. VCF-style (leftmost placement, unchanged base first): chr3-128904476-GA-G. GRCh37 (hg19) VCF-style: chr3-128623319-GA-G.
Other names: c.752del, p.Asp251fs (NM_001410805.1); short protein forms D251fs, D374fs.
Identifiers: ClinVar variation 2817136 (VCV002817136.3), dbSNP rs2529270114, ClinGen allele CA2739278270.
Genomic context (GRCh38, chr3:128,904,476, plus strand): 5'-TACGTCATGGAGAGTATGACCTACCTCACAGCAGGGATGCTGGACCAACCTGGCTTTCCC[GA>G]CTGCTCCATCGAGGCAGCCATGGTGAAGGTAACCCTGGCATAGCCAGAGAGCTGGCGCTG-3'

ClinVar aggregate classification (germline): Pathogenic (1 of 4 stars; one submission).

Submission:

Labcorp Genetics (formerly Invitae), Labcorp
Classification: Pathogenic. Last evaluated: 2023-03-03. Review status: criteria provided, single submitter. Criteria: Invitae Variant Classification Sherloc (09022015). Collection method: clinical testing. Allele origin: germline.
Comment: This sequence change creates a premature translational stop signal (p.Asp374Alafs*9) in the ACAD9 gene. It is expected to result in an absent or disrupted protein product. Loss-of-function variants in ACAD9 are known to be pathogenic (PMID: 25721401). This variant is not present in population databases (gnomAD no frequency). This variant has not been reported in the literature in individuals affected with ACAD9-related conditions. For these reasons, this variant has been classified as Pathogenic.

Literature cited by the submitters: PubMed 25721401.